The following is an entry in ClinVar:

ClinVar aggregate classification (germline): Likely benign (1 of 4 stars; one submission).

Allele frequency attached by ClinVar (database versions not stated): gnomAD 0.00003; 1000 Genomes Project 30x 0.00031; 1000 Genomes Project 0.00040.
gnomAD v4.1: 73 of 1,614,126 alleles (0.0045%); highest among the groups gnomAD compares: East Asian, 0.036%; no homozygotes.

Submission:

CeGaT Center for Human Genetics Tuebingen
Classification: Likely benign. Last evaluated: 2023-03-01. Review status: criteria provided, single submitter. Criteria: CeGaT Center For Human Genetics Tuebingen Variant Classification Criteria Version 2. Collection method: clinical testing. Allele origin: germline. Affected: yes. Observed: 1 variant allele.
Comment: CSMD2: BP4, BP7

NM_001281956.2(CSMD2):c.2778C>T (p.Gly926=)

Gene: CSMD2 (CUB and Sushi multiple domains 2; minus strand). Cytogenetic location: 1p35.1.
Variant type: single nucleotide variant.
Coding change: c.2778C>T on transcript NM_001281956.2 (MANE Select); coding-DNA position 2778, C replaced by T.
Protein change: p.Gly926=; no amino-acid change (glycine 926 retained).
Molecular consequence: synonymous variant.
Genome position (GRCh38, 1-based): chr1:33,724,622, G>A on the plus strand (C>T on the coding strand, the complement: CSMD2 is on the minus strand). VCF-style: chr1-33724622-G-A. GRCh37 (hg19) VCF-style: chr1-34190223-G-A.
Other names: c.2658C>T, p.Gly886= (NM_052896.5).
Identifiers: ClinVar variation 2638634 (VCV002638634.24), dbSNP rs535129082, ClinGen allele CA752711.